The following is an entry in ClinVar:

ClinVar aggregate classification (germline): Conflicting classifications of pathogenicity. Review status: criteria provided, conflicting classifications (1 of 4 stars). 4 submissions from 4 submitters: Uncertain significance (3); Likely benign (1). Last evaluated 2026-03-24.

Conditions:
Sessile serrated polyposis cancer syndrome (SSPCS). Identifiers: Orphanet 157798, MedGen C4310714, MONDO:0014919, OMIM 617108.

Allele frequency attached by ClinVar (database versions not stated): gnomAD 0.00003; gnomAD exomes 0.00006 and 0.00003; TOPMed 0.00006; ExAC 0.00002.
gnomAD v4.1: 54 of 1,557,158 alleles (0.0035%); highest among the groups gnomAD compares: East Asian, 0.011%; no homozygotes.

Submissions (4):

Ambry Genetics
Classification: Likely benign. Last evaluated: 2026-03-24. Review status: criteria provided, single submitter. Criteria: Ambry Variant Classification Scheme 2023. Collection method: clinical testing. Allele origin: germline.

Labcorp Genetics (formerly Invitae), Labcorp
Classification: Uncertain significance. Last evaluated: 2025-12-24. Review status: criteria provided, single submitter. Criteria: Invitae Variant Classification Sherloc (09022015). Collection method: clinical testing. Allele origin: germline.
Comment: This sequence change replaces arginine, which is basic and polar, with glutamine, which is neutral and polar, at codon 386 of the RNF43 protein (p.Arg386Gln). This variant is present in population databases (rs769498996, gnomAD 0.03%). This variant has not been reported in the literature in individuals affected with RNF43-related conditions. ClinVar contains an entry for this variant (Variation ID: 854361). An algorithm developed to predict the effect of missense changes on protein structure and function (PolyPhen-2) suggests that this variant is likely to be tolerated. In summary, the available evidence is currently insufficient to determine the role of this variant in disease. Therefore, it has been classified as a Variant of Uncertain Significance.

GeneDx
Classification: Uncertain significance. Last evaluated: 2024-04-01. Review status: criteria provided, single submitter. Criteria: GeneDx Variant Classification Process June 2021. Collection method: clinical testing. Allele origin: germline. Affected: yes.
Comment: In silico analysis supports that this missense variant does not alter protein structure/function; Has not been previously published as pathogenic or benign to our knowledge; Variants in candidate genes are classified as variants of uncertain significance in accordance with ACMG guidelines (PMID: 25741868)

Baylor Genetics
Classification: Uncertain significance for Sessile serrated polyposis cancer syndrome. Last evaluated: 2023-09-30. Review status: criteria provided, single submitter. Criteria: ACMG Guidelines, 2015. Collection method: clinical testing. Allele origin: unknown.

NM_017763.6(RNF43):c.1157G>A (p.Arg386Gln)

Gene: RNF43 (ring finger protein 43; minus strand). Cytogenetic location: 17q22.
Variant type: single nucleotide variant.
Coding change: c.1157G>A on transcript NM_017763.6 (MANE Select); coding-DNA position 1157, G replaced by A.
Protein change: p.Arg386Gln; replaces arginine 386 with glutamine.
Molecular consequence: missense variant.
Genome position (GRCh38, 1-based): chr17:58,358,619, C>T on the plus strand (G>A on the coding strand, the complement: RNF43 is on the minus strand). VCF-style: chr17-58358619-C-T. GRCh37 (hg19) VCF-style: chr17-56435980-C-T.
Other names: c.1157G>A, p.Arg386Gln (NM_001305544.3); c.776G>A, p.Arg259Gln (NM_001305545.2); short protein forms R386Q, R259Q.
Identifiers: ClinVar variation 854361 (VCV000854361.13), dbSNP rs769498996, ClinGen allele CA8673226.